The following is an entry in ClinVar:

ClinVar aggregate classification (germline): Benign/Likely benign. Review status: criteria provided, multiple submitters, no conflicts (2 of 4 stars). 9 submissions from 9 submitters: Benign (2); Likely benign (4). 3 of the submissions do not count toward it. Last evaluated 2026-01-24.

Conditions:
TCF3-related disorder. Also called: TCF3-related condition.
Agammaglobulinemia 8b, autosomal recessive. Also called: AGAMMAGLOBULINEMIA, AUTOSOMAL RECESSIVE, DUE TO TCF3 DEFECT. Identifiers: MedGen C5676958, MONDO:0859234, OMIM 619824.
Agammaglobulinemia 8, autosomal dominant (AGM8A). Also called: AGAMMAGLOBULINEMIA 8A, AUTOSOMAL DOMINANT; AGAMMAGLOBULINEMIA, AUTOSOMAL DOMINANT, DUE TO TCF3 DEFECT. Identifiers: MedGen C4310786, MONDO:0014840, OMIM 616941.

Allele frequency attached by ClinVar (database versions not stated): 1000 Genomes Project 0.00100; 1000 Genomes Project 30x 0.00109; gnomAD exomes 0.00129 and 0.00210; gnomAD 0.00160 and 0.00161; ExAC 0.00172; ESP Exome Variant Server 0.00185; TOPMed 0.00205.
gnomAD v4.1: 3,308 of 1,611,942 alleles (0.21%); highest among the groups gnomAD compares: Middle Eastern, 0.37%; 5 homozygotes.

Submissions (9):

Labcorp Genetics (formerly Invitae), Labcorp
Classification: Benign. Last evaluated: 2026-01-24. Review status: criteria provided, single submitter. Criteria: Invitae Variant Classification Sherloc (09022015). Collection method: clinical testing. Allele origin: germline.

Women's Health and Genetics/Laboratory Corporation of America, LabCorp
Classification: Benign. Last evaluated: 2026-01-23. Review status: criteria provided, single submitter. Criteria: LabCorp Variant Classification Summary - May 2015. Collection method: clinical testing. Allele origin: germline.

CeGaT Center for Human Genetics Tuebingen
Classification: Likely benign. Last evaluated: 2025-03-01. Review status: criteria provided, single submitter. Criteria: CeGaT Center For Human Genetics Tuebingen Variant Classification Criteria Version 2. Collection method: clinical testing. Allele origin: germline. Affected: yes. Observed: 1 variant allele.
Comment: TCF3: BP4, BP7

ARUP Laboratories, Molecular Genetics and Genomics, ARUP Laboratories
Classification: Likely benign. Last evaluated: 2024-11-23. Review status: criteria provided, single submitter. Criteria: ARUP Molecular Germline Variant Investigation Process 2024. Collection method: clinical testing. Allele origin: germline.

Blueprint Genetics
Classification: Likely benign. Last evaluated: 2024-11-11. Review status: criteria provided, single submitter. Criteria: ACMG Guidelines, 2015. Collection method: clinical testing. Allele origin: germline.

Fulgent Genetics
Classification: Likely benign for Agammaglobulinemia 8, autosomal dominant; Agammaglobulinemia 8b, autosomal recessive. Last evaluated: 2021-10-05. Review status: criteria provided, single submitter. Criteria: ACMG Guidelines, 2015. Collection method: clinical testing. Allele origin: unknown.

PreventionGenetics, part of Exact Sciences
Classification: Likely benign for TCF3-related condition. Last evaluated: 2019-12-17. Review status: no assertion criteria provided. Collection method: clinical testing. Allele origin: germline. Not counted in ClinVar's aggregate classification.
Comment: This variant is classified as likely benign based on ACMG/AMP sequence variant interpretation guidelines (Richards et al. 2015 PMID: 25741868, with internal and published modifications).

Clinical Genetics DNA and cytogenetics Diagnostics Lab, Erasmus MC, Erasmus Medical Center
Classification: Likely benign. Review status: no assertion criteria provided. Collection method: clinical testing. Allele origin: germline. Affected: yes. Study: VKGL Data-share Consensus. Not counted in ClinVar's aggregate classification.

Genome Diagnostics Laboratory, University Medical Center Utrecht
Classification: Likely benign. Review status: no assertion criteria provided. Collection method: clinical testing. Allele origin: germline. Affected: yes. Study: VKGL Data-share Consensus. Not counted in ClinVar's aggregate classification.

NM_003200.5(TCF3):c.315G>A (p.Arg105=)

Gene: TCF3 (transcription factor 3; minus strand). Cytogenetic location: 19p13.3.
Variant type: single nucleotide variant.
Coding change: c.315G>A on transcript NM_003200.5 (MANE Select); coding-DNA position 315, G replaced by A.
Protein change: p.Arg105=; no amino-acid change (arginine 105 retained).
Molecular consequence: synonymous variant.
Genome position (GRCh38, 1-based): chr19:1,627,410, C>T on the plus strand (G>A on the coding strand, the complement: TCF3 is on the minus strand). VCF-style: chr19-1627410-C-T. GRCh37 (hg19) VCF-style: chr19-1627409-C-T.
Other names: c.315G>A, p.Arg105= (NM_001136139.4, NM_001351778.2, NM_001351779.2).
Identifiers: ClinVar variation 719522 (VCV000719522.26), dbSNP rs144176765, ClinGen allele CA9050457.